The following is an entry in ClinVar:

ClinVar aggregate classification (germline): Uncertain significance (1 of 4 stars; one submission).

Conditions:
Cardiovascular phenotype. Identifiers: MedGen CN230736.

Allele frequency attached by ClinVar (database versions not stated): gnomAD exomes below 0.00001.
gnomAD v4.1: 5 of 1,614,094 alleles (0.00031%); highest among the groups gnomAD compares: Non-Finnish European, 0.00042%; no homozygotes.

Submission:

Ambry Genetics
Classification: Uncertain significance for Cardiovascular phenotype. Last evaluated: 2023-07-05. Review status: criteria provided, single submitter. Criteria: Ambry Variant Classification Scheme 2023. Collection method: clinical testing. Allele origin: germline.
Comment: The p.R305H variant (also known as c.914G>A), located in coding exon 5 of the EPHB4 gene, results from a G to A substitution at nucleotide position 914. The arginine at codon 305 is replaced by histidine, an amino acid with highly similar properties. This amino acid position is conserved. In addition, the in silico prediction for this alteration is inconclusive. Since supporting evidence is limited at this time, the clinical significance of this alteration remains unclear.

NM_004444.5(EPHB4):c.914G>A (p.Arg305His)

Gene: EPHB4 (EPH receptor B4; minus strand). Cytogenetic location: 7q22.1.
Variant type: single nucleotide variant.
Coding change: c.914G>A on transcript NM_004444.5 (MANE Select); coding-DNA position 914, G replaced by A.
Protein change: p.Arg305His; replaces arginine 305 with histidine.
Molecular consequence: missense variant.
Genome position (GRCh38, 1-based): chr7:100,820,191, C>T on the plus strand (G>A on the coding strand, the complement: EPHB4 is on the minus strand). VCF-style: chr7-100820191-C-T. GRCh37 (hg19) VCF-style: chr7-100417813-C-T.
Other names: short protein forms R305H.
Identifiers: ClinVar variation 2626720 (VCV002626720.2), dbSNP rs2485037833, ClinGen allele CA368577545.
Genomic context (GRCh38, chr7:100,820,191, plus strand): 5'-GGTCACTTACTGGTGCAGGGTGCACCCCGGGGGTCTGTGCGTGCCCGGAAGTACCCGACG[C>T]GGCACTGGCAGACGGCTGATCCAATGGTGTTAGAGTGGCTATTGGCTGGGCATGGCTGGC-3'
Protein context (NP_004435.3, residues 295-315): NTIGSAVCQC[Arg305His]VGYFRARTDP